The following is an entry in ClinVar:

NM_000512.5(GALNS):c.1289dup (p.His430fs)

Gene: GALNS (galactosamine (N-acetyl)-6-sulfatase; minus strand). Cytogenetic location: 16q24.3.
Variant type: Duplication.
Coding change: c.1289dup on transcript NM_000512.5 (MANE Select); coding-DNA position 1289, one base duplicated (A; older notation c.1289dupA).
Protein change: p.His430fs; shifts the reading frame from histidine 430.
Molecular consequence: frameshift variant.
Genome position (GRCh38, 1-based): chr16:88,822,664, T duplicated on the plus strand (A on the coding strand, the reverse complement: GALNS is on the minus strand). VCF-style (leftmost placement, unchanged base first): chr16-88822663-G-GT. GRCh37 (hg19) VCF-style: chr16-88889071-G-GT.
Other names: c.734dup, p.His245fs (NM_001323543.2); c.1307dup, p.His436fs (NM_001323544.2); short protein forms H245fs, H430fs, H436fs.
Identifiers: ClinVar variation 2861094 (VCV002861094.3), dbSNP rs2543444470, ClinGen allele CA2739266957.

ClinVar aggregate classification (germline): Pathogenic (1 of 4 stars; one submission).

Conditions:
Mucopolysaccharidosis, MPS-IV-A (MPS4A). Also called: Mucopolysaccharidosis type IV A; Mucopolysaccharidosis Type IVA; Morquio syndrome A, mild; MORQUIO SYNDROME A; GALACTOSAMINE-6-SULFATASE DEFICIENCY; GALNS DEFICIENCY. Identifiers: Orphanet 309297, Orphanet 582, MedGen C0086651, MONDO:0009659, OMIM 253000.

Submission:

Labcorp Genetics (formerly Invitae), Labcorp
Classification: Pathogenic for Mucopolysaccharidosis, MPS-IV-A. Last evaluated: 2023-05-01. Review status: criteria provided, single submitter. Criteria: Invitae Variant Classification Sherloc (09022015). Collection method: clinical testing. Allele origin: germline.
Comment: This variant has not been reported in the literature in individuals affected with GALNS-related conditions. For these reasons, this variant has been classified as Pathogenic. This variant disrupts a region of the GALNS protein in which other variant(s) (p.Cys507Arg) have been determined to be pathogenic (PMID: 25545067). This suggests that this is a clinically significant region of the protein, and that variants that disrupt it are likely to be disease-causing. This variant is not present in population databases (gnomAD no frequency). This sequence change creates a premature translational stop signal (p.His430Glnfs*73) in the GALNS gene. While this is not anticipated to result in nonsense mediated decay, it is expected to disrupt the last 93 amino acid(s) of the GALNS protein.

Literature cited by the submitters: PubMed 25545067.